The following is an entry in ClinVar:

ClinVar aggregate classification (germline): Benign. Review status: criteria provided, multiple submitters, no conflicts (2 of 4 stars). 2 submissions from 2 submitters: Benign (2). Last evaluated 2026-01-26.

Conditions:
Neuropathy, hereditary sensory and autonomic, type 2A (HSAN2A). Also called: HSAN IIA; WNK1-Related HSAN2 (HSAN2A); MORVAN DISEASE; NEUROPATHY, CONGENITAL SENSORY; NEUROPATHY, HEREDITARY SENSORY RADICULAR, AUTOSOMAL RECESSIVE; NEUROPATHY, HEREDITARY SENSORY, TYPE IIA. Identifiers: Orphanet 970, MedGen C2752089, MONDO:0024309, OMIM 201300.
Pseudohypoaldosteronism type 2C (PHA2C). Also called: Pseudohypoaldosteronism Type IIC. Identifiers: Orphanet 757, Orphanet 88940, MedGen C1840391, MONDO:0013778, OMIM 614492.

Allele frequency attached by ClinVar (database versions not stated): gnomAD 0.54634 and 0.54691; 1000 Genomes Project 30x 0.52670; 1000 Genomes Project 0.52895; TOPMed 0.53305.
gnomAD v4.1: 81,779 of 149,340 alleles (55%); highest among the groups gnomAD compares: East Asian, 71%; 22,974 homozygotes.

Submissions (2):

Labcorp Genetics (formerly Invitae), Labcorp
Classification: Benign for Neuropathy, hereditary sensory and autonomic, type 2A; Pseudohypoaldosteronism type 2C. Last evaluated: 2026-01-26. Review status: criteria provided, single submitter. Criteria: Invitae Variant Classification Sherloc (09022015). Collection method: clinical testing. Allele origin: germline.

GeneDx
Classification: Benign. Last evaluated: 2018-06-14. Review status: criteria provided, single submitter. Criteria: GeneDx Variant Classification (06012015). Collection method: clinical testing. Allele origin: germline. Affected: yes.
Comment: This variant is considered likely benign or benign based on one or more of the following criteria: it is a conservative change, it occurs at a poorly conserved position in the protein, it is predicted to be benign by multiple in silico algorithms, and/or has population frequency not consistent with disease.

NM_018979.4(WNK1):c.2374-181C>T

Gene: WNK1 (WNK lysine deficient protein kinase 1; plus strand). Cytogenetic location: 12p13.33.
Variant type: single nucleotide variant.
Coding change: c.2374-181C>T on transcript NM_018979.4 (MANE Select); 181 bases into the intron before coding-DNA position 2374, C replaced by T.
Molecular consequence: intron variant.
Genome position (GRCh38, 1-based): chr12:879,392, C>T. VCF-style: chr12-879392-C-T. GRCh37 (hg19) VCF-style: chr12-988558-C-T.
Other names: c.3867+1031C>T (NM_213655.5); c.3612+1031C>T (NM_001184985.2); c.2370+1031C>T (NM_014823.3).
Identifiers: ClinVar variation 538531 (VCV000538531.8), dbSNP rs880054, ClinGen allele CA15729971.